The following is an entry in ClinVar:

NM_015215.4(CAMTA1):c.664+5G>A

Gene: CAMTA1 (calmodulin binding transcription activator 1; plus strand). Cytogenetic location: 1p36.23.
Variant type: single nucleotide variant.
Coding change: c.664+5G>A on transcript NM_015215.4 (MANE Select); 5 bases into the intron after coding-DNA position 664, G replaced by A.
Molecular consequence: intron variant.
Genome position (GRCh38, 1-based): chr1:7,640,558, G>A. VCF-style: chr1-7640558-G-A. GRCh37 (hg19) VCF-style: chr1-7700618-G-A.
Other names: c.664+5G>A (NM_001349609.2, NM_001349610.2, NM_015215.2); c.574+5G>A (NM_001349608.2, NM_001349612.2).
Identifiers: ClinVar variation 423242 (VCV000423242.4), dbSNP rs1064796318, ClinGen allele CA16617186.

ClinVar aggregate classification (germline): Uncertain significance. Review status: criteria provided, multiple submitters, no conflicts (2 of 4 stars). 3 submissions from 3 submitters: Uncertain significance (3). Last evaluated 2026-03-23.

Conditions:
Inborn genetic diseases. Identifiers: MedGen C0950123, MeSH D030342.

Submissions (3):

Ambry Genetics
Classification: Uncertain significance for Inborn genetic diseases. Last evaluated: 2026-03-23. Review status: criteria provided, single submitter. Criteria: Ambry Variant Classification Scheme 2023. Collection method: clinical testing. Allele origin: germline.
Comment: The c.664+5G>A intronic variant consists of a G to A substitution 5 nucleotides after exon 7 (coding exon 7) of the CAMTA1 gene. This variant was not reported in population-based cohorts in the Genome Aggregation Database (gnomAD). In silico splice site analysis predicts that this alteration will weaken the native splice donor site. Based on insufficient or conflicting evidence, the clinical significance of this alteration remains unclear.

Blueprint Genetics
Classification: Uncertain significance. Last evaluated: 2021-10-27. Review status: criteria provided, single submitter. Criteria: ACMG Guidelines, 2015. Collection method: clinical testing. Allele origin: germline.

GeneDx
Classification: Uncertain significance. Last evaluated: 2017-02-15. Review status: criteria provided, single submitter. Criteria: GeneDx Variant Classification (06012015). Collection method: clinical testing. Allele origin: germline. Affected: yes.
Comment: The c.664+5G>A variant in the CAMTA1 gene has not been reported previously as a pathogenic variant nor as a benign variant, to our knowledge. This variant is predicted to reduce the quality of the splice donor site for intron 7, and may cause abnormal gene splicing. The c.664+5G>A variant is not observed in large population cohorts (Lek et al., 2016; 1000 Genomes Consortium et al., 2015; Exome Variant Server). We interpret c.664+5G>A as a variant of uncertain significance.